The following is an entry in ClinVar:

ClinVar aggregate classification (germline): Uncertain significance. Review status: criteria provided, multiple submitters, no conflicts (2 of 4 stars). 2 submissions from 2 submitters: Uncertain significance (2). Last evaluated 2025-10-27.

Conditions:
INSR-related disorder.

Allele frequency attached by ClinVar (database versions not stated): gnomAD exomes 0.00003; ESP Exome Variant Server 0.00015; gnomAD 0.00006; ExAC 0.00007; 1000 Genomes Project 30x 0.00016; 1000 Genomes Project 0.00020; TOPMed 0.00003.
gnomAD v4.1: 59 of 1,614,222 alleles (0.0037%); highest among the groups gnomAD compares: South Asian, 0.0055%; no homozygotes.

Submissions (2):

Labcorp Genetics (formerly Invitae), Labcorp
Classification: Uncertain significance. Last evaluated: 2025-10-27. Review status: criteria provided, single submitter. Criteria: Invitae Variant Classification Sherloc (09022015). Collection method: clinical testing. Allele origin: germline.
Comment: This sequence change replaces glutamic acid, which is acidic and polar, with lysine, which is basic and polar, at codon 1307 of the INSR protein (p.Glu1307Lys). This variant is present in population databases (rs145697152, gnomAD 0.007%). This variant has not been reported in the literature in individuals affected with INSR-related conditions. ClinVar contains an entry for this variant (Variation ID: 2634452). Invitae Evidence Modeling of protein sequence and biophysical properties (such as structural, functional, and spatial information, amino acid conservation, physicochemical variation, residue mobility, and thermodynamic stability) indicates that this missense variant is not expected to disrupt INSR protein function with a negative predictive value of 95%. In summary, the available evidence is currently insufficient to determine the role of this variant in disease. Therefore, it has been classified as a Variant of Uncertain Significance.

PreventionGenetics, part of Exact Sciences
Classification: Uncertain significance for INSR-related condition. Last evaluated: 2022-11-29. Review status: criteria provided, single submitter. Criteria: ACMG Guidelines, 2015. Collection method: clinical testing. Allele origin: germline.
Comment: The INSR c.3919G>A variant is predicted to result in the amino acid substitution p.Glu1307Lys. To our knowledge, this variant has not been reported in the literature. This variant is reported in 0.0070% of alleles in individuals of European (Non-Finnish) descent in gnomAD. At this time, the clinical significance of this variant is uncertain due to the absence of conclusive functional and genetic evidence.

NM_000208.4(INSR):c.3919G>A (p.Glu1307Lys)

Gene: INSR (insulin receptor; minus strand). Cytogenetic location: 19p13.2.
Variant type: single nucleotide variant.
Coding change: c.3919G>A on transcript NM_000208.4 (MANE Select); coding-DNA position 3919, G replaced by A.
Protein change: p.Glu1307Lys; replaces glutamic acid 1307 with lysine.
Molecular consequence: missense variant.
Genome position (GRCh38, 1-based): chr19:7,117,286, C>T on the plus strand (G>A on the coding strand, the complement: INSR is on the minus strand). VCF-style: chr19-7117286-C-T. GRCh37 (hg19) VCF-style: chr19-7117297-C-T.
Other names: c.3883G>A, p.Glu1295Lys (NM_001079817.3); short protein forms E1295K, E1307K.
Identifiers: ClinVar variation 2634452 (VCV002634452.4), dbSNP rs145697152, ClinGen allele CA9135120.